The following is an entry in ClinVar:

ClinVar aggregate classification (germline): Likely pathogenic (1 of 4 stars; one submission).

Conditions:
L-2-hydroxyglutaric aciduria (L2HGA). Identifiers: Orphanet 79314, MedGen C1855995, MONDO:0009370, OMIM 236792, HP:0040144.

Submission:

First Genomix Gene Laboratory, Genetic Diagnostics Department
Classification: Likely pathogenic for L-2-hydroxyglutaric aciduria. Last evaluated: 2025-09-19. Review status: criteria provided, single submitter. Criteria: ACMG Guidelines, 2015. Collection method: clinical testing. Allele origin: germline. Inheritance: Autosomal recessive inheritance. Affected: no. Observed: 1 variant allele.

NM_024884.3(L2HGDH):c.714T>G (p.Tyr238Ter)

Gene: L2HGDH (L-2-hydroxyglutarate dehydrogenase; minus strand). Cytogenetic location: 14q21.3.
Variant type: single nucleotide variant.
Coding change: c.714T>G on transcript NM_024884.3 (MANE Select); coding-DNA position 714, T replaced by G.
Protein change: p.Tyr238Ter; replaces tyrosine 238 with a stop codon.
Molecular consequence: nonsense.
Genome position (GRCh38, 1-based): chr14:50,278,544, A>C on the plus strand (T>G on the coding strand, the complement: L2HGDH is on the minus strand). VCF-style: chr14-50278544-A-C. GRCh37 (hg19) VCF-style: chr14-50745262-A-C.
Other names: c.714T>G, p.Tyr238Ter (NM_001425212.1); c.603T>G, p.Tyr201Ter (NM_001425213.1, NM_001425214.1); c.168T>G, p.Tyr56Ter (NM_001425215.1, NM_001425216.1, NM_001425217.1 and 1 more transcripts); short protein forms Y201*, Y238*, Y56*.
Identifiers: ClinVar variation 4850391 (VCV004850391.1).
Genomic context (GRCh38, chr14:50,278,544, plus strand): 5'-AGAAAGTAGCCAGCAGTTTTGCTTAAGAATCTTTACCTTTGTATTCTTTATAACAATTGG[A>C]TATTGCATTCCTGAAAAAAAAGAATAAGTGAAAAATTTATTTTTAGCAAAAGGCCAACAT-3'